The following is an entry in ClinVar:

ClinVar aggregate classification (germline): Likely benign. Review status: criteria provided, single submitter (1 of 4 stars). 2 submissions from 2 submitters: Likely benign (1). 1 of the submissions does not count toward it. Last evaluated 2022-08-30.

Conditions:
GHRHR-related disorder. Also called: GHRHR-related condition.

Allele frequency attached by ClinVar (database versions not stated): gnomAD 0.00001 and 0.00002; gnomAD exomes 0.00009; ExAC 0.00015; 1000 Genomes Project 30x 0.00016; 1000 Genomes Project 0.00020.
gnomAD v4.1: 69 of 1,607,510 alleles (0.0043%); highest among the groups gnomAD compares: South Asian, 0.036%; no homozygotes.

Submissions (2):

Labcorp Genetics (formerly Invitae), Labcorp
Classification: Likely benign. Last evaluated: 2022-08-30. Review status: criteria provided, single submitter. Criteria: Invitae Variant Classification Sherloc (09022015). Collection method: clinical testing. Allele origin: germline.

PreventionGenetics, part of Exact Sciences
Classification: Likely benign for GHRHR-related condition. Last evaluated: 2019-06-27. Review status: no assertion criteria provided. Collection method: clinical testing. Allele origin: germline. Not counted in ClinVar's aggregate classification.
Comment: This variant is classified as likely benign based on ACMG/AMP sequence variant interpretation guidelines (Richards et al. 2015 PMID: 25741868, with internal and published modifications).

NM_000823.4(GHRHR):c.879C>T (p.Val293=)

Gene: GHRHR (growth hormone releasing hormone receptor; plus strand). Cytogenetic location: 7p14.3.
Variant type: single nucleotide variant.
Coding change: c.879C>T on transcript NM_000823.4 (MANE Select); coding-DNA position 879, C replaced by T.
Protein change: p.Val293=; no amino-acid change (valine 293 retained).
Molecular consequence: synonymous variant.
Genome position (GRCh38, 1-based): chr7:30,975,037, C>T. VCF-style: chr7-30975037-C-T. GRCh37 (hg19) VCF-style: chr7-31014652-C-T.
Other names: c.879C>T (NM_000823.3).
Identifiers: ClinVar variation 1592691 (VCV001592691.10), dbSNP rs375674796, ClinGen allele CA4208699.